The following is an entry in ClinVar:

NM_025074.7(FRAS1):c.1396T>A (p.Leu466Ile)

Gene: FRAS1 (Fraser extracellular matrix complex subunit 1; plus strand). Cytogenetic location: 4q21.21.
Variant type: single nucleotide variant.
Coding change: c.1396T>A on transcript NM_025074.7 (MANE Select); coding-DNA position 1396, T replaced by A.
Protein change: p.Leu466Ile; replaces leucine 466 with isoleucine.
Molecular consequence: missense variant.
Genome position (GRCh38, 1-based): chr4:78,284,545, T>A. VCF-style: chr4-78284545-T-A. GRCh37 (hg19) VCF-style: chr4-79205699-T-A.
Other names: p.Leu466Ile; c.1396T>A, p.Leu466Ile (NM_001166133.2); short protein forms L466I.
Identifiers: ClinVar variation 261803 (VCV000261803.18), dbSNP rs12504081, ClinGen allele CA2976263.

ClinVar aggregate classification (germline): Benign. Review status: criteria provided, multiple submitters, no conflicts (2 of 4 stars). 10 submissions from 10 submitters: Benign (8). 2 of the submissions do not count toward it. Last evaluated 2026-02-04.

Conditions:
Fraser syndrome 1 (FRASRS1). Also called: CRYPTOPHTHALMOS WITH OTHER MALFORMATIONS. Identifiers: Orphanet 2052, MedGen C4551480, MONDO:0054737, OMIM 219000.

Allele frequency attached by ClinVar (database versions not stated): ESP Exome Variant Server 0.29516; TOPMed 0.31421; gnomAD 0.31848; 1000 Genomes Project 30x 0.32011; 1000 Genomes Project 0.32109; ExAC 0.35082; gnomAD exomes 0.35965.
gnomAD v4.1: 571,902 of 1,609,308 alleles (36%); highest among the groups gnomAD compares: Admixed American, 41%; 103,537 homozygotes.

Submissions (10):

Labcorp Genetics (formerly Invitae), Labcorp
Classification: Benign. Last evaluated: 2026-02-04. Review status: criteria provided, single submitter. Criteria: Invitae Variant Classification Sherloc (09022015). Collection method: clinical testing. Allele origin: germline.

Blueprint Genetics
Classification: Benign. Last evaluated: 2024-11-26. Review status: criteria provided, single submitter. Criteria: ACMG Guidelines, 2015. Collection method: clinical testing. Allele origin: germline.

Mayo Clinic Laboratories, Mayo Clinic
Classification: Benign. Last evaluated: 2022-03-09. Review status: criteria provided, single submitter. Criteria: ACMG Guidelines, 2015. Collection method: clinical testing. Allele origin: germline. Observed: 39 variant alleles.

Genome-Nilou Lab
Classification: Benign for Fraser syndrome 1. Last evaluated: 2021-08-10. Review status: criteria provided, single submitter. Criteria: ACMG Guidelines, 2015. Collection method: clinical testing. Allele origin: germline. Affected: no.

GeneDx
Classification: Benign. Last evaluated: 2020-03-23. Review status: criteria provided, single submitter. Criteria: GeneDx Variant Classification Process June 2021. Collection method: clinical testing. Allele origin: germline. Affected: yes.

Illumina Laboratory Services, Illumina
Classification: Benign for Fraser syndrome 1. Last evaluated: 2018-01-13. Review status: criteria provided, single submitter. Criteria: ICSL Variant Classification Criteria 13 December 2019. Collection method: clinical testing. Allele origin: germline.
Comment: This variant was observed in the ICSL laboratory as part of a predisposition screen in an ostensibly healthy population. It had not been previously curated by ICSL or reported in the Human Gene Mutation Database (HGMD: prior to June 1st, 2018), and was therefore a candidate for classification through an automated scoring system. Utilizing variant allele frequency, disease prevalence and penetrance estimates, and inheritance mode, an automated score was calculated to assess if this variant is too frequent to cause the disease. Based on the score and internal cut-off values, a variant classified as benign is not then subjected to further curation. The score for this variant resulted in a classification of benign for this disease.

Breakthrough Genomics
Classification: Benign. Review status: criteria provided, single submitter. Criteria: ACMG Guidelines, 2015. Collection method: not provided. Allele origin: germline. Inheritance: Autosomal recessive inheritance. Affected: yes.

PreventionGenetics, part of Exact Sciences
Classification: Benign. Review status: criteria provided, single submitter. Criteria: ACMG Guidelines, 2015. Collection method: clinical testing. Allele origin: germline.

Diagnostic Laboratory, Department of Genetics, University Medical Center Groningen
Classification: Benign for Fraser syndrome 1. Review status: no assertion criteria provided. Collection method: clinical testing. Allele origin: germline. Affected: yes. Study: VKGL Data-share Consensus. Not counted in ClinVar's aggregate classification.

Genome Diagnostics Laboratory, University Medical Center Utrecht
Classification: Benign. Review status: no assertion criteria provided. Collection method: clinical testing. Allele origin: germline. Affected: yes. Study: VKGL Data-share Consensus. Not counted in ClinVar's aggregate classification.